The following is an entry in ClinVar:

ClinVar aggregate classification (germline): Benign/Likely benign. Review status: criteria provided, multiple submitters, no conflicts (2 of 4 stars). 11 submissions from 11 submitters: Benign (5); Likely benign (4). 2 of the submissions do not count toward it. Last evaluated 2026-01-27.

Conditions:
TSC1-related disorder. Also called: TSC1-related condition.
Hereditary cancer-predisposing syndrome. Also called: Tumor predisposition; Neoplastic Syndromes, Hereditary; Hereditary neoplastic syndrome; Hereditary Cancer Syndrome. Identifiers: Orphanet 140162, MedGen C0027672, MeSH D009386, MONDO:0015356.
Lymphangiomyomatosis (LAM). Also called: Lymphangioleiomyomatosis; Lymphangioleiomyomatosis, somatic. Identifiers: Orphanet 538, MedGen C0751674, MONDO:0011705, OMIM 606690.
Tuberous sclerosis 1 (TSC1). Identifiers: Orphanet 805, MedGen C1854465, MONDO:0008612, OMIM 191100.
Isolated focal cortical dysplasia type II (FCORD2). Also called: CORTICAL DYSPLASIA OF TAYLOR; Focal cortical dysplasia type II. Identifiers: Orphanet 268994, MedGen C1846385, MONDO:0011818, OMIM 607341, HP:0032051.
Tuberous sclerosis syndrome (TSC). Also called: Tuberous Sclerosis Complex; Tuberous sclerosis. Identifiers: Orphanet 805, MedGen C0041341, MONDO:0001734.

Allele frequency attached by ClinVar (database versions not stated): gnomAD exomes 0.00006; ExAC 0.00010; 1000 Genomes Project 30x 0.00031; TOPMed 0.00033; gnomAD 0.00038 and 0.00039; 1000 Genomes Project 0.00040; ESP Exome Variant Server 0.00062.
gnomAD v4.1: 106 of 1,614,012 alleles (0.0066%); highest among the groups gnomAD compares: African/African-American, 0.13%; no homozygotes.

Submissions (11):

Labcorp Genetics (formerly Invitae), Labcorp
Classification: Benign for Tuberous sclerosis 1. Last evaluated: 2026-01-27. Review status: criteria provided, single submitter. Criteria: Invitae Variant Classification Sherloc (09022015). Collection method: clinical testing. Allele origin: germline.

Myriad Genetics, Inc.
Classification: Benign for Tuberous sclerosis 1. Last evaluated: 2025-04-25. Review status: criteria provided, single submitter. Criteria: Myriad Autosomal Dominant, Autosomal Recessive and X-Linked Classification Criteria (2023). Collection method: clinical testing. Allele origin: unknown.
Comment: This variant is considered benign. This variant is a silent/synonymous amino acid change and it is not expected to impact splicing.

Blueprint Genetics
Classification: Likely benign. Last evaluated: 2024-11-06. Review status: criteria provided, single submitter. Criteria: ACMG Guidelines, 2015. Collection method: clinical testing. Allele origin: germline.

Color Diagnostics, LLC DBA Color Health
Classification: Likely benign for Tuberous sclerosis syndrome. Last evaluated: 2022-11-06. Review status: criteria provided, single submitter. Criteria: ACMG Guidelines, 2015. Collection method: clinical testing. Allele origin: germline.

Fulgent Genetics
Classification: Likely benign for Tuberous sclerosis 1; Lymphangiomyomatosis; Isolated focal cortical dysplasia type II. Last evaluated: 2022-02-03. Review status: criteria provided, single submitter. Criteria: ACMG Guidelines, 2015. Collection method: clinical testing. Allele origin: unknown.

Genome-Nilou Lab
Classification: Benign for Tuberous sclerosis 1. Last evaluated: 2021-11-07. Review status: criteria provided, single submitter. Criteria: ACMG Guidelines, 2015. Collection method: clinical testing. Allele origin: germline. Affected: no.

Sema4
Classification: Benign for Hereditary cancer-predisposing syndrome. Last evaluated: 2021-02-24. Review status: criteria provided, single submitter. Criteria: Sema4 Curation Guidelines. Collection method: curation. Allele origin: germline.

Ambry Genetics
Classification: Likely benign for Hereditary cancer-predisposing syndrome. Last evaluated: 2016-07-14. Review status: criteria provided, single submitter. Criteria: Ambry Variant Classification Scheme 2023. Collection method: clinical testing. Allele origin: germline.

GeneDx
Classification: Benign. Last evaluated: 2015-06-23. Review status: criteria provided, single submitter. Criteria: GeneDx Variant Classification (06012015). Collection method: clinical testing. Allele origin: germline. Affected: yes.
Comment: This variant is considered likely benign or benign based on one or more of the following criteria: it is a conservative change, it occurs at a poorly conserved position in the protein, it is predicted to be benign by multiple in silico algorithms, and/or has population frequency not consistent with disease.

PreventionGenetics, part of Exact Sciences
Classification: Likely benign for TSC1-related condition. Last evaluated: 2023-04-27. Review status: no assertion criteria provided. Collection method: clinical testing. Allele origin: germline. Not counted in ClinVar's aggregate classification.
Comment: This variant is classified as likely benign based on ACMG/AMP sequence variant interpretation guidelines (Richards et al. 2015 PMID: 25741868, with internal and published modifications).

Tuberous sclerosis database (TSC1)
No classification provided. Condition: TSC. Review status: no classification provided. Criteria: Tuberous Sclerosis Database Assertion Criteria 2015. Collection method: curation. Allele origin: germline. Affected: yes. Not counted in ClinVar's aggregate classification.

NM_000368.5(TSC1):c.2505C>T (p.Leu835=)

Gene: TSC1 (TSC complex subunit 1; minus strand). Cytogenetic location: 9q34.13.
Variant type: single nucleotide variant.
Coding change: c.2505C>T on transcript NM_000368.5 (MANE Select); coding-DNA position 2505, C replaced by T.
Protein change: p.Leu835=; no amino-acid change (leucine 835 retained).
Molecular consequence: synonymous variant.
Genome position (GRCh38, 1-based): chr9:132,900,835, G>A on the plus strand (C>T on the coding strand, the complement: TSC1 is on the minus strand). VCF-style: chr9-132900835-G-A. GRCh37 (hg19) VCF-style: chr9-135776222-G-A.
Other names: c.2502C>T, p.Leu834= (NM_001162426.2); c.2352C>T, p.Leu784= (NM_001162427.2); c.2142C>T, p.Leu714= (NM_001362177.2).
Identifiers: ClinVar variation 64710 (VCV000064710.24), dbSNP rs112384441, ClinGen allele CA006556.
Genomic context (GRCh38, chr9:132,900,835, plus strand): 5'-AAGAACCAACAGCTGCCTGTTCAAGAACTCCATCTGCTGCTGGACCGACTCACTGTTTGA[G>A]AGCTAACCAAAAAACATGAGCAAAGTGAAAAATCCGACGACATAAAACTAGCACATAGAC-3'
Protein context (NP_000359.1, residues 825-845): ELLLSQVSQK[Leu835=]SNSESVQQQM